The following is an entry in ClinVar:

ClinVar aggregate classification (germline): Likely pathogenic (1 of 4 stars; one submission).

Conditions:
Landau-Kleffner syndrome (FESD). Also called: EPILEPSY, FOCAL, WITH SPEECH DISORDER AND WITH OR WITHOUT MENTAL RETARDATION; APHASIA, ACQUIRED, WITH EPILEPSY. Identifiers: Orphanet 1945, Orphanet 725, Orphanet 98818, MedGen C0282512, MONDO:0009509, OMIM 245570.

Submission:

Labcorp Genetics (formerly Invitae), Labcorp
Classification: Likely pathogenic for Landau-Kleffner syndrome. Last evaluated: 2020-03-14. Review status: criteria provided, single submitter. Criteria: Invitae Variant Classification Sherloc (09022015). Collection method: clinical testing. Allele origin: germline.
Comment: This variant is not present in population databases (ExAC no frequency). In summary, the currently available evidence indicates that the variant is pathogenic, but additional data are needed to prove that conclusively. Therefore, this variant has been classified as Likely Pathogenic. Donor and acceptor splice site variants typically lead to a loss of protein function (PMID: 16199547), and loss-of-function variants in GRIN2A are known to be pathogenic (PMID: 23933819, 23933820). Algorithms developed to predict the effect of sequence changes on RNA splicing suggest that this variant may disrupt the consensus splice site, but this prediction has not been confirmed by published transcriptional studies. This variant has not been reported in the literature in individuals with GRIN2A-related conditions. This sequence change affects a donor splice site in intron 9 of the GRIN2A gene. It is expected to disrupt RNA splicing and likely results in an absent or disrupted protein product.

Literature cited by the submitters: PubMed 16199547; PubMed 23933819; PubMed 23933820.

NM_001134407.3(GRIN2A):c.1777+1G>C

Gene: GRIN2A (glutamate ionotropic receptor NMDA type subunit 2A; minus strand). Cytogenetic location: 16p13.2.
Variant type: single nucleotide variant.
Coding change: c.1777+1G>C on transcript NM_001134407.3 (MANE Select); the canonical splice donor site of the intron after coding-DNA position 1777, G replaced by C.
Molecular consequence: splice donor variant.
Genome position (GRCh38, 1-based): chr16:9,834,104, C>G on the plus strand (G>C on the coding strand, the complement: GRIN2A is on the minus strand). VCF-style: chr16-9834104-C-G. GRCh37 (hg19) VCF-style: chr16-9927961-C-G.
Other names: c.1777+1G>C (NM_001134408.2, NM_000833.5).
Identifiers: ClinVar variation 1067669 (VCV001067669.5), dbSNP rs2141325180, ClinGen allele CA394799868.